The following is an entry in ClinVar:

ClinVar aggregate classification (germline): Uncertain significance (1 of 4 stars; one submission).

Allele frequency attached by ClinVar (database versions not stated): TOPMed below 0.00001; gnomAD 0.00001; ExAC 0.00002.
gnomAD v4.1: 14 of 1,613,934 alleles (0.00087%); highest among the groups gnomAD compares: East Asian, 0.013%; no homozygotes.

Submission:

Labcorp Genetics (formerly Invitae), Labcorp
Classification: Uncertain significance. Last evaluated: 2023-02-27. Review status: criteria provided, single submitter. Criteria: Invitae Variant Classification Sherloc (09022015). Collection method: clinical testing. Allele origin: germline.
Comment: Advanced modeling of protein sequence and biophysical properties (such as structural, functional, and spatial information, amino acid conservation, physicochemical variation, residue mobility, and thermodynamic stability) performed at Invitae indicates that this missense variant is not expected to disrupt KIF23 protein function. In summary, the available evidence is currently insufficient to determine the role of this variant in disease. Therefore, it has been classified as a Variant of Uncertain Significance. This variant has not been reported in the literature in individuals affected with KIF23-related conditions. This variant is present in population databases (rs748606582, gnomAD 0.05%). This sequence change replaces arginine, which is basic and polar, with histidine, which is basic and polar, at codon 296 of the KIF23 protein (p.Arg296His).

NM_001367805.3(KIF23):c.929G>A (p.Arg310His)

Gene: KIF23 (kinesin family member 23; plus strand). Cytogenetic location: 15q23.
Variant type: single nucleotide variant.
Coding change: c.929G>A on transcript NM_001367805.3 (MANE Select); coding-DNA position 929, G replaced by A.
Protein change: p.Arg310His; replaces arginine 310 with histidine.
Molecular consequence: missense variant. On other transcripts: non-coding transcript variant (2).
Genome position (GRCh38, 1-based): chr15:69,426,375, G>A. VCF-style: chr15-69426375-G-A. GRCh37 (hg19) VCF-style: chr15-69718714-G-A.
Other names: c.557G>A, p.Arg186His (NM_001281301.2); c.887G>A, p.Arg296His (NM_001367804.2, NM_004856.7, NM_138555.4); short protein forms R186H, R296H, R310H.
Identifiers: ClinVar variation 2973806 (VCV002973806.3), dbSNP rs748606582, ClinGen allele CA7635027.